The following is an entry in ClinVar:

ClinVar aggregate classification (germline): Likely pathogenic (1 of 4 stars; one submission).

Submission:

Labcorp Genetics (formerly Invitae), Labcorp
Classification: Likely pathogenic. Last evaluated: 2025-12-01. Review status: criteria provided, single submitter. Criteria: Invitae Variant Classification Sherloc (09022015). Collection method: clinical testing. Allele origin: germline.
Comment: This sequence change affects a donor splice site in intron 7 of the CNGB3 gene. It is expected to disrupt RNA splicing. Variants that disrupt the donor or acceptor splice site typically lead to a loss of protein function (PMID: 16199547), and loss-of-function variants in CNGB3 are known to be pathogenic (PMID: 28795510). This variant is not present in population databases (gnomAD no frequency). This variant has not been reported in the literature in individuals affected with CNGB3-related conditions. Algorithms developed to predict the effect of sequence changes on RNA splicing suggest that this variant may disrupt the consensus splice site. In summary, the currently available evidence indicates that the variant is pathogenic, but additional data are needed to prove that conclusively. Therefore, this variant has been classified as Likely Pathogenic.

Literature cited by the submitters: PubMed 16199547; PubMed 28795510.

NM_019098.5(CNGB3):c.903+1G>T

Gene: CNGB3 (cyclic nucleotide gated channel subunit beta 3; minus strand). Cytogenetic location: 8q21.3.
Variant type: single nucleotide variant.
Coding change: c.903+1G>T on transcript NM_019098.5 (MANE Select); the canonical splice donor site of the intron after coding-DNA position 903, G replaced by T.
Molecular consequence: splice donor variant.
Genome position (GRCh38, 1-based): chr8:86,654,011, C>A on the plus strand (G>T on the coding strand, the complement: CNGB3 is on the minus strand). VCF-style: chr8-86654011-C-A. GRCh37 (hg19) VCF-style: chr8-87666239-C-A.
Identifiers: ClinVar variation 4732307 (VCV004732307.1).